The following is an entry in ClinVar:

ClinVar aggregate classification (germline): Uncertain significance (1 of 4 stars; one submission).

Submission:

CeGaT Center for Human Genetics Tuebingen
Classification: Uncertain significance. Last evaluated: 2026-06-01. Review status: criteria provided, single submitter. Criteria: CeGaT Center For Human Genetics Tuebingen Variant Classification Criteria Version 2. Collection method: clinical testing. Allele origin: germline. Affected: yes. Observed: 1 variant allele.
Comment: PKHD1L1: PM2, BP4

NM_177531.6(PKHD1L1):c.5435T>C (p.Val1812Ala)

Gene: PKHD1L1 (PKHD1 like 1; plus strand). Cytogenetic location: 8q23.1.
Variant type: single nucleotide variant.
Coding change: c.5435T>C on transcript NM_177531.6 (MANE Select); coding-DNA position 5435, T replaced by C.
Protein change: p.Val1812Ala; replaces valine 1812 with alanine.
Molecular consequence: missense variant.
Genome position (GRCh38, 1-based): chr8:109,445,304, T>C. VCF-style: chr8-109445304-T-C. GRCh37 (hg19) VCF-style: chr8-110457533-T-C.
Other names: short protein forms V1812A.
Identifiers: ClinVar variation 4874219 (VCV004874219.2).